The following is an entry in ClinVar:

ClinVar aggregate classification (germline): Uncertain significance. Review status: criteria provided, multiple submitters, no conflicts (2 of 4 stars). 2 submissions from 2 submitters: Uncertain significance (2). Last evaluated 2025-12-03.

Conditions:
Cognitive impairment - coarse facies - heart defects - obesity - pulmonary involvement - short stature - skeletal dysplasia syndrome. Also called: COGNITIVE IMPAIRMENT, COARSE FACIES, HEART DEFECTS, OBESITY, PULMONARY INVOLVEMENT, SHORT STATURE, AND SKELETAL DYSPLASIA; AFF4-Related CHOPS Syndrome; Chops syndrome. Identifiers: Orphanet 444077, MedGen C4085597, MONDO:0014609, OMIM 616368.
AFF4-related disorder. Also called: AFF4-related condition.

Allele frequency attached by ClinVar (database versions not stated): ExAC 0.00002; gnomAD 0.00003; TOPMed 0.00003; gnomAD exomes 0.00004.
gnomAD v4.1: 70 of 1,613,966 alleles (0.0043%); highest among the groups gnomAD compares: Middle Eastern, 0.016%; no homozygotes.

Submissions (2):

Labcorp Genetics (formerly Invitae), Labcorp
Classification: Uncertain significance for Cognitive impairment - coarse facies - heart defects - obesity - pulmonary involvement - short stature - skeletal dysplasia syndrome. Last evaluated: 2025-12-03. Review status: criteria provided, single submitter. Criteria: Invitae Variant Classification Sherloc (09022015). Collection method: clinical testing. Allele origin: germline.
Comment: This sequence change replaces arginine, which is basic and polar, with histidine, which is basic and polar, at codon 209 of the AFF4 protein (p.Arg209His). This variant is present in population databases (rs770827508, gnomAD 0.02%). This variant has not been reported in the literature in individuals affected with AFF4-related conditions. ClinVar contains an entry for this variant (Variation ID: 2147618). Invitae Evidence Modeling of protein sequence and biophysical properties (such as structural, functional, and spatial information, amino acid conservation, physicochemical variation, residue mobility, and thermodynamic stability) indicates that this missense variant is not expected to disrupt AFF4 protein function with a negative predictive value of 80%. In summary, the available evidence is currently insufficient to determine the role of this variant in disease. Therefore, it has been classified as a Variant of Uncertain Significance.

PreventionGenetics, part of Exact Sciences
Classification: Uncertain significance for AFF4-related condition. Last evaluated: 2024-12-11. Review status: criteria provided, single submitter. Criteria: ACMG Guidelines, 2015. Collection method: clinical testing. Allele origin: germline.
Comment: The AFF4 c.626G>A variant is predicted to result in the amino acid substitution p.Arg209His. To our knowledge, this variant has not been reported in the literature. This variant is reported in 0.016% of alleles in individuals of African descent in gnomAD, which may be too common to be an unreported cause of disease. Although we suspect that this variant may be benign, at this time, the clinical significance of this variant is uncertain due to the absence of conclusive functional and genetic evidence.

NM_014423.4(AFF4):c.626G>A (p.Arg209His)

Gene: AFF4 (ALF transcription elongation factor 4; minus strand). Cytogenetic location: 5q31.1.
Variant type: single nucleotide variant.
Coding change: c.626G>A on transcript NM_014423.4 (MANE Select); coding-DNA position 626, G replaced by A.
Protein change: p.Arg209His; replaces arginine 209 with histidine.
Molecular consequence: missense variant.
Genome position (GRCh38, 1-based): chr5:132,934,439, C>T on the plus strand (G>A on the coding strand, the complement: AFF4 is on the minus strand). VCF-style: chr5-132934439-C-T. GRCh37 (hg19) VCF-style: chr5-132270131-C-T.
Other names: c.626G>A (NM_014423.3); short protein forms R209H.
Identifiers: ClinVar variation 2147618 (VCV002147618.5), dbSNP rs770827508, ClinGen allele CA3409399.